The following is an entry in ClinVar:

NM_005751.5(AKAP9):c.10633G>C (p.Glu3545Gln)

Gene: AKAP9 (A-kinase anchoring protein 9; plus strand). Cytogenetic location: 7q21.2.
Variant type: single nucleotide variant.
Coding change: c.10633G>C on transcript NM_005751.5 (MANE Select); coding-DNA position 10633, G replaced by C.
Protein change: p.Glu3545Gln; replaces glutamic acid 3545 with glutamine.
Molecular consequence: missense variant.
Genome position (GRCh38, 1-based): chr7:92,098,134, G>C. VCF-style: chr7-92098134-G-C. GRCh37 (hg19) VCF-style: chr7-91727448-G-C.
Other names: c.5278G>C, p.Glu1760Gln (NM_001379277.1); c.10609G>C, p.Glu3537Gln (NM_147185.3); c.10633G>C (NM_005751.4); short protein forms E1760Q, E3537Q, E3545Q.
Identifiers: ClinVar variation 1005952 (VCV001005952.8), dbSNP rs1816925987, ClinGen allele CA368157587.

ClinVar aggregate classification (germline): Uncertain significance. Review status: criteria provided, multiple submitters, no conflicts (2 of 4 stars). 2 submissions from 2 submitters: Uncertain significance (2). Last evaluated 2024-12-30.

Conditions:
Cardiovascular phenotype. Identifiers: MedGen CN230736.
Long QT syndrome (LQTS). Identifiers: MedGen C0023976, MeSH D008133, MONDO:0002442. Disease mechanism: loss of function. Inheritance: Various modes of inheritance.

Allele frequency attached by ClinVar (database versions not stated): gnomAD exomes below 0.00001.
gnomAD v4.1: 2 of 1,611,712 alleles (0.00012%); highest among the groups gnomAD compares: Admixed American, 0.0033%; no homozygotes.

Submissions (2):

Labcorp Genetics (formerly Invitae), Labcorp
Classification: Uncertain significance for Long QT syndrome. Last evaluated: 2024-12-30. Review status: criteria provided, single submitter. Criteria: Invitae Variant Classification Sherloc (09022015). Collection method: clinical testing. Allele origin: germline.
Comment: This sequence change replaces glutamic acid, which is acidic and polar, with glutamine, which is neutral and polar, at codon 3545 of the AKAP9 protein (p.Glu3545Gln). This variant is not present in population databases (gnomAD no frequency). This variant has not been reported in the literature in individuals affected with AKAP9-related conditions. ClinVar contains an entry for this variant (Variation ID: 1005952). An algorithm developed to predict the effect of missense changes on protein structure and function (PolyPhen-2) suggests that this variant is likely to be disruptive. In summary, the available evidence is currently insufficient to determine the role of this variant in disease. Therefore, it has been classified as a Variant of Uncertain Significance.

Ambry Genetics
Classification: Uncertain significance for Cardiovascular phenotype. Last evaluated: 2023-07-05. Review status: criteria provided, single submitter. Criteria: Ambry Variant Classification Scheme 2023. Collection method: clinical testing. Allele origin: germline.
Comment: The p.E3545Q variant (also known as c.10633G>C), located in coding exon 43 of the AKAP9 gene, results from a G to C substitution at nucleotide position 10633. The glutamic acid at codon 3545 is replaced by glutamine, an amino acid with highly similar properties. This amino acid position is conserved. In addition, this alteration is predicted to be tolerated by in silico analysis. Since supporting evidence is limited at this time, the clinical significance of this alteration remains unclear.